The following is an entry in ClinVar:

NM_001382347.1(MYO5A):c.697C>T (p.Arg233Ter)

Gene: MYO5A (myosin VA; minus strand). Cytogenetic location: 15q21.2.
Variant type: single nucleotide variant.
Coding change: c.697C>T on transcript NM_001382347.1 (MANE Select); coding-DNA position 697, C replaced by T.
Protein change: p.Arg233Ter; replaces arginine 233 with a stop codon.
Molecular consequence: nonsense.
Genome position (GRCh38, 1-based): chr15:52,410,392, G>A on the plus strand (C>T on the coding strand, the complement: MYO5A is on the minus strand). VCF-style: chr15-52410392-G-A. GRCh37 (hg19) VCF-style: chr15-52702589-G-A.
Other names: c.697C>T, p.Arg233Ter (NM_000259.3, NM_001142495.2, NM_001411135.1); c.769C>T, p.Arg257Ter (NM_001382348.1, NM_001382349.1); short protein forms R233*, R257*.
Identifiers: ClinVar variation 4805515 (VCV004805515.1).

ClinVar aggregate classification (germline): Pathogenic (1 of 4 stars; one submission).

gnomAD v4.1: 1 of 1,613,290 alleles (0.000062%); highest among the groups gnomAD compares: Non-Finnish European, 0.000085%; no homozygotes.

Submission:

Labcorp Genetics (formerly Invitae), Labcorp
Classification: Pathogenic. Last evaluated: 2025-11-12. Review status: criteria provided, single submitter. Criteria: Invitae Variant Classification Sherloc (09022015). Collection method: clinical testing. Allele origin: germline.
Comment: This sequence change creates a premature translational stop signal (p.Arg233*) in the MYO5A gene. It is expected to result in an absent or disrupted protein product. Loss-of-function variants in MYO5A are known to be pathogenic (PMID: 9207796, 12897212). This variant is not present in population databases (gnomAD no frequency). This variant has not been reported in the literature in individuals affected with MYO5A-related conditions. For these reasons, this variant has been classified as Pathogenic.

Literature cited by the submitters: PubMed 9207796; PubMed 12897212.